The following is an entry in ClinVar:

NM_000179.3(MSH6):c.3515_3516insTGTTTACTAGACAG (p.Arg1172delinsSerValTyrTer)

Gene: MSH6 (mutS homolog 6; plus strand). Cytogenetic location: 2p16.3.
Variant type: Insertion.
Coding change: c.3515_3516insTGTTTACTAGACAG on transcript NM_000179.3 (MANE Select); coding-DNA positions 3515 to 3516, TGTTTACTAGACAG inserted.
Protein change: p.Arg1172delinsSerValTyrTer.
Molecular consequence: nonsense. On other transcripts: frameshift variant (38).
Genome position: GRCh38 VCF-style: chr2-47804984-T-TAGTGTTTACTAGAC. GRCh37 (hg19) VCF-style: chr2-48032123-T-TAGTGTTTACTAGAC.
Other names: c.3125_3126insTGTTTACTAGACAG, p.Arg1042delinsSerValTyrTer (NM_001281492.2); c.2609_2610insTGTTTACTAGACAG, p.Arg870delinsSerValTyrTer (NM_001281493.2, NM_001281494.2); c.3611_3612insTGTTTACTAGACAG, p.Arg1204Serfs (NM_001406795.1, NM_001406802.1); c.3515_3516insTGTTTACTAGACAG, p.Arg1172Serfs (NM_001406796.1, NM_001406800.1, NM_001406808.1 and 1 more transcripts); c.3218_3219insTGTTTACTAGACAG, p.Arg1073Serfs (NM_001406797.1, NM_001406801.1, NM_001406805.1 and 10 more transcripts); c.3341_3342insTGTTTACTAGACAG, p.Arg1114Serfs (NM_001406798.1); c.2990_2991insTGTTTACTAGACAG, p.Arg997Serfs (NM_001406799.1, NM_001406806.1, NM_001406807.1); c.2651_2652insTGTTTACTAGACAG, p.Arg884Serfs (NM_001406803.1); and 8 more.
Identifiers: ClinVar variation 1732195 (VCV001732195.3), dbSNP rs2530804002, ClinGen allele CA2580067182.

ClinVar aggregate classification (germline): Pathogenic. Review status: criteria provided, multiple submitters, no conflicts (2 of 4 stars). 2 submissions from 2 submitters: Pathogenic (2). Last evaluated 2023-08-24.

Conditions:
Hereditary cancer-predisposing syndrome. Also called: Neoplastic Syndromes, Hereditary; Tumor predisposition; Hereditary Cancer Syndrome; Hereditary neoplastic syndrome. Identifiers: Orphanet 140162, MedGen C0027672, MeSH D009386, MONDO:0015356.
Lynch syndrome 5 (LYNCH5). Also called: Hereditary non-polyposis colorectal cancer, type 5; Colorectal cancer, hereditary nonpolyposis, type 5. Identifiers: Orphanet 144, MedGen C1833477, MONDO:0013710, OMIM 614350. Disease mechanism: loss of function.

Submissions (2):

Myriad Genetics, Inc.
Classification: Pathogenic for Lynch syndrome 5. Last evaluated: 2023-08-24. Review status: criteria provided, single submitter. Criteria: Myriad Autosomal Dominant, Autosomal Recessive and X-Linked Classification Criteria (2023). Collection method: clinical testing. Allele origin: unknown.
Comment: This variant is considered pathogenic. This variant creates a frameshift predicted to result in premature protein truncation.

Ambry Genetics
Classification: Pathogenic for Hereditary cancer-predisposing syndrome. Last evaluated: 2022-02-01. Review status: criteria provided, single submitter. Criteria: Ambry Variant Classification Scheme 2023. Collection method: clinical testing. Allele origin: germline.
Comment: The c.3515_3516ins14 variant, located in coding exon 6 of the MSH6 gene, results from an insertion of 14 nucleotides at position 3515, causing a translational frameshift with a predicted alternate stop codon (p.R1172Sfs*4). This alteration is expected to result in loss of function by premature protein truncation or nonsense-mediated mRNA decay. As such, this alteration is interpreted as a disease-causing mutation.